The following is an entry in ClinVar:

ClinVar aggregate classification (germline): Uncertain significance (1 of 4 stars; one submission).

Conditions:
Dilated cardiomyopathy 1W (CMD1W). Identifiers: Orphanet 154, MedGen C1969639, MONDO:0012667, OMIM 611407.

Submission:

Labcorp Genetics (formerly Invitae), Labcorp
Classification: Uncertain significance for Dilated cardiomyopathy 1W. Last evaluated: 2022-09-26. Review status: criteria provided, single submitter. Criteria: Invitae Variant Classification Sherloc (09022015). Collection method: clinical testing. Allele origin: germline.
Comment: This variant results in a copy number gain of the genomic region encompassing exon(s) 1-8 of the VCL gene. This region includes the initiator codon of the gene. This copy number gain extends beyond the assayed region for this gene and therefore may encompass additional genes. As the precise location of this event is unknown, it may be in tandem or it may be located elsewhere in the genome. This variant has not been reported in the literature in individuals affected with VCL-related conditions. In summary, the available evidence is currently insufficient to determine the role of this variant in disease. Therefore, it has been classified as a Variant of Uncertain Significance.

NC_000010.10:g.(?_75757966)_(75843291_?)dup

Gene: VCL (vinculin; plus strand). Cytogenetic location: 10q22.2.
Variant type: Duplication.
Identifiers: ClinVar variation 1375589 (VCV001375589.4).